The following is an entry in ClinVar:

ClinVar aggregate classification (germline): Conflicting classifications of pathogenicity. Review status: criteria provided, conflicting classifications (1 of 4 stars). 3 submissions from 3 submitters: Uncertain significance (1); Likely benign (1). 1 of the submissions does not count toward it. Last evaluated 2026-01-21.

Conditions:
Ullrich congenital muscular dystrophy 2 (UCMD2). Identifiers: Orphanet 75840, MedGen C4225314, MONDO:0014654, OMIM 616470.
Bethlem myopathy 2 (BTHLM2). Identifiers: Orphanet 536516, Orphanet 610, MedGen C4225313, MONDO:0034022, OMIM 616471.
COL12A1-related disorder. Also called: COL12A1-related condition.

Allele frequency attached by ClinVar (database versions not stated): gnomAD exomes 0.00001; ExAC 0.00002; gnomAD 0.00002; TOPMed 0.00002; ESP Exome Variant Server 0.00008.
gnomAD v4.1: 19 of 1,595,842 alleles (0.0012%); highest among the groups gnomAD compares: East Asian, 0.011%; no homozygotes.

Submissions (3):

Labcorp Genetics (formerly Invitae), Labcorp
Classification: Uncertain significance for Bethlem myopathy 2; Ullrich congenital muscular dystrophy 2. Last evaluated: 2026-01-21. Review status: criteria provided, single submitter. Criteria: Invitae Variant Classification Sherloc (09022015). Collection method: clinical testing. Allele origin: germline.
Comment: This sequence change affects codon 63 of the COL12A1 mRNA. It is a 'silent' change, meaning that it does not change the encoded amino acid sequence of the COL12A1 protein. It affects a nucleotide within the consensus splice site. This variant is present in population databases (rs371298920, gnomAD 0.006%). This variant has not been reported in the literature in individuals affected with COL12A1-related conditions. ClinVar contains an entry for this variant (Variation ID: 966078). Algorithms developed to predict the effect of sequence changes on RNA splicing suggest that this variant is not likely to affect RNA splicing. In summary, the available evidence is currently insufficient to determine the role of this variant in disease. Therefore, it has been classified as a Variant of Uncertain Significance.

GeneDx
Classification: Likely benign. Last evaluated: 2021-03-23. Review status: criteria provided, single submitter. Criteria: GeneDx Variant Classification Process June 2021. Collection method: clinical testing. Allele origin: germline. Affected: yes.

PreventionGenetics, part of Exact Sciences
Classification: Likely benign for COL12A1-related condition. Last evaluated: 2024-09-07. Review status: no assertion criteria provided. Collection method: clinical testing. Allele origin: germline. Not counted in ClinVar's aggregate classification.
Comment: This variant is classified as likely benign based on ACMG/AMP sequence variant interpretation guidelines (Richards et al. 2015 PMID: 25741868, with internal and published modifications).

NM_004370.6(COL12A1):c.189G>A (p.Thr63=)

Gene: COL12A1 (collagen type XII alpha 1 chain; minus strand). Cytogenetic location: 6q13.
Variant type: single nucleotide variant.
Coding change: c.189G>A on transcript NM_004370.6 (MANE Select); coding-DNA position 189, G replaced by A.
Protein change: p.Thr63=; no amino-acid change (threonine 63 retained).
Molecular consequence: synonymous variant. On other transcripts: intron variant (1).
Genome position (GRCh38, 1-based): chr6:75,194,832, C>T on the plus strand (G>A on the coding strand, the complement: COL12A1 is on the minus strand). VCF-style: chr6-75194832-C-T. GRCh37 (hg19) VCF-style: chr6-75904548-C-T.
Other names: c.73+7888G>A (NM_080645.3).
Identifiers: ClinVar variation 966078 (VCV000966078.10), dbSNP rs371298920, ClinGen allele CA3894495.